The following is an entry in ClinVar:

NM_006922.4(SCN3A):c.1358A>G (p.Lys453Arg)

Gene: SCN3A (sodium voltage-gated channel alpha subunit 3; minus strand). Cytogenetic location: 2q24.3.
Variant type: single nucleotide variant.
Coding change: c.1358A>G on transcript NM_006922.4 (MANE Select); coding-DNA position 1358, A replaced by G.
Protein change: p.Lys453Arg; replaces lysine 453 with arginine.
Molecular consequence: missense variant.
Genome position (GRCh38, 1-based): chr2:165,154,474, T>C on the plus strand (A>G on the coding strand, the complement: SCN3A is on the minus strand). VCF-style: chr2-165154474-T-C. GRCh37 (hg19) VCF-style: chr2-166010984-T-C.
Other names: c.1358A>G, p.Lys453Arg (NM_001081676.2, NM_001081677.2); short protein forms K453R.
Identifiers: ClinVar variation 1495259 (VCV001495259.6), dbSNP rs2105861104, ClinGen allele CA349237912.

ClinVar aggregate classification (germline): Uncertain significance (1 of 4 stars; one submission).

Allele frequency attached by ClinVar (database versions not stated): gnomAD exomes below 0.00001.
gnomAD v4.1: 1 of 1,614,182 alleles (0.000062%); highest among the groups gnomAD compares: Non-Finnish European, 0.000085%; no homozygotes.

Submission:

Labcorp Genetics (formerly Invitae), Labcorp
Classification: Uncertain significance. Last evaluated: 2022-07-06. Review status: criteria provided, single submitter. Criteria: Invitae Variant Classification Sherloc (09022015). Collection method: clinical testing. Allele origin: germline.
Comment: This sequence change replaces lysine, which is basic and polar, with arginine, which is basic and polar, at codon 453 of the SCN3A protein (p.Lys453Arg). This variant is not present in population databases (gnomAD no frequency). In summary, the available evidence is currently insufficient to determine the role of this variant in disease. Therefore, it has been classified as a Variant of Uncertain Significance. Algorithms developed to predict the effect of missense changes on protein structure and function are either unavailable or do not agree on the potential impact of this missense change (SIFT: "Deleterious"; PolyPhen-2: "Probably Damaging"; Align-GVGD: "Class C0"). ClinVar contains an entry for this variant (Variation ID: 1495259). This variant has not been reported in the literature in individuals affected with SCN3A-related conditions.